The following is an entry in ClinVar:

ClinVar aggregate classification (germline): Benign/Likely benign. Review status: criteria provided, multiple submitters, no conflicts (2 of 4 stars). 13 submissions from 12 submitters: Benign (5); Likely benign (4). 4 of the submissions do not count toward it. Last evaluated 2026-02-01.

Conditions:
Bronchiectasis with or without elevated sweat chloride 2 (BESC2). Identifiers: Orphanet 60033, MedGen C2751666, MONDO:0013087, OMIM 613021.
Pseudohypoaldosteronism, type IB1, autosomal recessive. Also called: Pseudohypoaldosteronism, Type I, Autosomal Recessive; Autosomal recessive pseudohypoaldosteronism type 1; Pseudohypoaldosteronism, Type I, Recessive; PHA I, AUTOSOMAL RECESSIVE. Identifiers: Orphanet 171876, Orphanet 756, MedGen C5774176, MONDO:0009917, OMIM 264350.

Allele frequency attached by ClinVar (database versions not stated): 1000 Genomes Project 0.01338; 1000 Genomes Project 30x 0.01499; gnomAD 0.01653 and 0.01669; TOPMed 0.01688; ExAC 0.01824; gnomAD exomes 0.01922 and 0.02112.

Submissions (13):

Labcorp Genetics (formerly Invitae), Labcorp
Classification: Benign. Last evaluated: 2026-02-01. Review status: criteria provided, single submitter. Criteria: Invitae Variant Classification Sherloc (09022015). Collection method: clinical testing. Allele origin: germline.

Mayo Clinic Laboratories, Mayo Clinic
Classification: Benign. Last evaluated: 2022-11-14. Review status: criteria provided, single submitter. Criteria: ACMG Guidelines, 2015. Collection method: clinical testing. Allele origin: germline. Observed: 13 variant alleles.
Comment: BS1, BS2

GeneDx
Classification: Benign. Last evaluated: 2021-04-05. Review status: criteria provided, single submitter. Criteria: GeneDx Variant Classification Process June 2021. Collection method: clinical testing. Allele origin: germline. Affected: yes.
Comment: This variant is associated with the following publications: (PMID: 26453628, 26668308, 26764160, 15734793, 21917531, 20194130, 19462466)

Illumina Laboratory Services, Illumina
Classification: Likely benign for Pseudohypoaldosteronism, type IB1, autosomal recessive. Last evaluated: 2017-04-27. Review status: criteria provided, single submitter. Criteria: ICSL Variant Classification Criteria 13 December 2019. Collection method: clinical testing. Allele origin: germline.
Comment: This variant was observed as part of a predisposition screen in an ostensibly healthy population. A literature search was performed for the gene, cDNA change, and amino acid change (where applicable). Publications were found based on this search. The evidence from the literature, in combination with allele frequency data from public databases where available, was sufficient to determine this variant is unlikely to cause disease. Therefore, this variant is classified as likely benign.

Illumina Laboratory Services, Illumina
Classification: Likely benign for Bronchiectasis with or without elevated sweat chloride 2. Last evaluated: 2017-04-27. Review status: criteria provided, single submitter. Criteria: ICSL Variant Classification Criteria 13 December 2019. Collection method: clinical testing. Allele origin: germline.
Comment: This variant was observed as part of a predisposition screen in an ostensibly healthy population. A literature search was performed for the gene, cDNA change, and amino acid change (where applicable). No publications were found based on this search. Allele frequency data from public databases allowed determination this variant is unlikely to cause disease. Therefore, this variant is classified as likely benign.

Laboratory for Molecular Medicine, Mass General Brigham Personalized Medicine
Classification: Likely benign. Last evaluated: 2016-02-24. Review status: criteria provided, single submitter. Criteria: LMM Criteria. Collection method: clinical testing. Allele origin: germline. Observed: 1 variant allele.
Comment: The p.Trp552Arg variant in SCNN1A is prevalent in the general population with fr equencies up to 2.5% (413/16512) of South Asian chromosomes and 2.1% (1433/66734 ) of European chromosomes by the Exome Aggregation Consortium (ExAC .; dbSNP rs5742912). While common, this variant has been claim ed to increase the risk of ischemic cerebrovascular events and cystic fibrosis-l ike clinical features up to 2 fold, particularly in carriers of a pathogenic CFT R variant, though these data are conflicting (Hsieh 2005, Azad 2009, Handschick 2012). In vitro functional studies provide some evidence that the p.Trp552Arg va riant may impact protein function, however these types of assays may not accurat ely reflect biological function. In summary, this variant is not expected to cau se disease on its own but a modifying role cannot be excluded.

Eurofins Ntd Llc (ga)
Classification: Benign. Last evaluated: 2015-06-01. Review status: criteria provided, single submitter. Criteria: EGL Classification Definitions 2015. Collection method: clinical testing. Allele origin: germline. Observed: 1 variant allele, 1 heterozygote.

Breakthrough Genomics
Classification: Likely benign. Review status: criteria provided, single submitter. Criteria: ACMG Guidelines, 2015. Collection method: not provided. Allele origin: germline. Inheritance: Autosomal recessive inheritance. Affected: yes.

PreventionGenetics, part of Exact Sciences
Classification: Benign. Review status: criteria provided, single submitter. Criteria: ACMG Guidelines, 2015. Collection method: clinical testing. Allele origin: germline.

OMIM
Classification: Pathogenic for BRONCHIECTASIS WITH OR WITHOUT ELEVATED SWEAT CHLORIDE 2. Last evaluated: 2009-07-01. Review status: no assertion criteria provided. Collection method: literature only. Allele origin: germline. Not counted in ClinVar's aggregate classification.

Diagnostic Laboratory, Department of Genetics, University Medical Center Groningen
Classification: Likely benign. Review status: no assertion criteria provided. Collection method: clinical testing. Allele origin: germline. Affected: yes. Study: VKGL Data-share Consensus. Not counted in ClinVar's aggregate classification.

Genome Diagnostics Laboratory, University Medical Center Utrecht
Classification: Benign. Review status: no assertion criteria provided. Collection method: clinical testing. Allele origin: germline. Affected: yes. Study: VKGL Data-share Consensus. Not counted in ClinVar's aggregate classification.

Joint Genome Diagnostic Labs from Nijmegen and Maastricht, Radboudumc and MUMC+
Classification: Benign. Review status: no assertion criteria provided. Collection method: clinical testing. Allele origin: germline. Affected: yes. Study: VKGL Data-share Consensus. Not counted in ClinVar's aggregate classification.

Literature cited by the submitters: PubMed 15734793 (cited by 3 submitters); PubMed 19462466 (cited by 3 submitters); PubMed 20194130 (cited by Mayo Clinic Laboratories, Mayo Clinic and Laboratory for Molecular Medicine, Mass General Brigham Personalized Medicine); PubMed 21917531 (cited by 3 submitters); PubMed 26453628 (cited by Mayo Clinic Laboratories, Mayo Clinic); PubMed 26668308 (cited by Mayo Clinic Laboratories, Mayo Clinic and Laboratory for Molecular Medicine, Mass General Brigham Personalized Medicine); Azad, A. K., Rauh, R., Vermeulen, F., Jaspers, M., Korbmacher, J., Boissier, B., Bassinet, L., Fichou, Y., des Georges, M., Stanke, F., De Boeck, K., Dupont, L., and 17 others Mutations in the amiloride-sensitive epithelial sodium channel in patients with cystic fibrosis-like disease. Hum. Mutat. 30: 1093-1103, 2009. (cited by OMIM).

NM_001038.6(SCNN1A):c.1477T>C (p.Trp493Arg)

Gene: SCNN1A (sodium channel epithelial 1 subunit alpha; minus strand). Cytogenetic location: 12p13.31.
Variant type: single nucleotide variant.
Coding change: c.1477T>C on transcript NM_001038.6 (MANE Select); coding-DNA position 1477, T replaced by C.
Protein change: p.Trp493Arg; replaces tryptophan 493 with arginine.
Molecular consequence: missense variant.
Genome position (GRCh38, 1-based): chr12:6,349,184, A>G on the plus strand (T>C on the coding strand, the complement: SCNN1A is on the minus strand). VCF-style: chr12-6349184-A-G. GRCh37 (hg19) VCF-style: chr12-6458350-A-G.
Other names: c.1546T>C, p.Trp516Arg (NM_001159575.2); c.1654T>C, p.Trp552Arg (NM_001159576.2); short protein forms W493R, W552R, W516R.
Identifiers: ClinVar variation 9269 (VCV000009269.29), dbSNP rs5742912, ClinGen allele CA120274.